The following is an entry in ClinVar:

ClinVar aggregate classification (germline): Uncertain significance (1 of 4 stars; one submission).

Conditions:
Benign neonatal seizures. Also called: Benign neonatal familial convulsions; Convulsions benign familial neonatal dominant form; Autosomal dominant form of benign neonatal seizures; Benign familial neonatal seizures; Benign familial neonatal epilepsy. Identifiers: Orphanet 1949, MedGen C0220669, MONDO:0016027.

Allele frequency attached by ClinVar (database versions not stated): TOPMed below 0.00001.

Submission:

Labcorp Genetics (formerly Invitae), Labcorp
Classification: Uncertain significance for Benign neonatal seizures. Last evaluated: 2025-06-22. Review status: criteria provided, single submitter. Criteria: Invitae Variant Classification Sherloc (09022015). Collection method: clinical testing. Allele origin: germline.
Comment: This sequence change replaces aspartic acid, which is acidic and polar, with glycine, which is neutral and non-polar, at codon 815 of the KCNQ3 protein (p.Asp815Gly). This variant is not present in population databases (gnomAD no frequency). This variant has not been reported in the literature in individuals affected with KCNQ3-related conditions. ClinVar contains an entry for this variant (Variation ID: 2780560). Invitae Evidence Modeling of protein sequence and biophysical properties (such as structural, functional, and spatial information, amino acid conservation, physicochemical variation, residue mobility, and thermodynamic stability) indicates that this missense variant is not expected to disrupt KCNQ3 protein function with a negative predictive value of 95%. In summary, the available evidence is currently insufficient to determine the role of this variant in disease. Therefore, it has been classified as a Variant of Uncertain Significance.

NM_004519.4(KCNQ3):c.2444A>G (p.Asp815Gly)

Gene: KCNQ3 (potassium voltage-gated channel subfamily Q member 3; minus strand). Cytogenetic location: 8q24.22.
Variant type: single nucleotide variant.
Coding change: c.2444A>G on transcript NM_004519.4 (MANE Select); coding-DNA position 2444, A replaced by G.
Protein change: p.Asp815Gly; replaces aspartic acid 815 with glycine.
Molecular consequence: missense variant.
Genome position (GRCh38, 1-based): chr8:132,129,437, T>C on the plus strand (A>G on the coding strand, the complement: KCNQ3 is on the minus strand). VCF-style: chr8-132129437-T-C. GRCh37 (hg19) VCF-style: chr8-133141684-T-C.
Other names: c.2084A>G, p.Asp695Gly (NM_001204824.2); short protein forms D695G, D815G.
Identifiers: ClinVar variation 2780560 (VCV002780560.3), dbSNP rs1414304681, ClinGen allele CA372215879.